The following is an entry in ClinVar:

ClinVar aggregate classification (germline): Uncertain significance. Review status: criteria provided, multiple submitters, no conflicts (2 of 4 stars). 2 submissions from 2 submitters: Uncertain significance (2). Last evaluated 2023-12-24.

Conditions:
Polycystic kidney disease 4 (PKD4). Also called: POLYCYSTIC KIDNEY AND HEPATIC DISEASE 1; POLYCYSTIC KIDNEY DISEASE, INFANTILE, TYPE I; POLYCYSTIC KIDNEY DISEASE 4 WITH OR WITHOUT POLYCYSTIC LIVER DISEASE; PKD3; Autosomal Recessive Polycystic Kidney Disease – PKHD1. Identifiers: MedGen C4540575, MONDO:0033004, OMIM 263200.

Submissions (2):

Fulgent Genetics
Classification: Uncertain significance for Polycystic kidney disease 4. Last evaluated: 2023-12-24. Review status: criteria provided, single submitter. Criteria: ACMG Guidelines, 2015. Collection method: clinical testing. Allele origin: germline.

CeGaT Center for Human Genetics Tuebingen
Classification: Uncertain significance. Last evaluated: 2023-07-01. Review status: criteria provided, single submitter. Criteria: CeGaT Center For Human Genetics Tuebingen Variant Classification Criteria Version 2. Collection method: clinical testing. Allele origin: germline. Affected: yes. Observed: 1 variant allele.
Comment: PKHD1: PM2, PM4:Supporting

NM_138694.4(PKHD1):c.5257_5259del (p.Val1753del)

Gene: PKHD1 (PKHD1 ciliary IPT domain containing fibrocystin/polyductin; minus strand). Cytogenetic location: 6p12.2.
Variant type: Deletion.
Coding change: c.5257_5259del on transcript NM_138694.4 (MANE Select); coding-DNA positions 5257 to 5259, 3 bases deleted (GTG; older notation c.5257_5259delGTG).
Protein change: p.Val1753del; deletes valine 1753.
Molecular consequence: inframe deletion.
Genome position (GRCh38, 1-based): chr6:52,022,922-52,022,924, CAC deleted on the plus strand (GTG on the coding strand, the reverse complement: PKHD1 is on the minus strand); deleting any 3 consecutive bases within chr6:52,022,922-52,022,926 gives the same sequence; the c. name uses the placement nearest the transcript's 3' end. VCF-style (leftmost placement, unchanged base first): chr6-52022921-GCAC-G. GRCh37 (hg19) VCF-style: chr6-51887719-GCAC-G.
Other names: c.5257_5259del, p.Val1753del (NM_170724.3); short protein forms V1753del.
Identifiers: ClinVar variation 2579002 (VCV002579002.26), dbSNP rs2532656956, ClinGen allele CA2580618000.